The following is an entry in ClinVar:

ClinVar aggregate classification (germline): Pathogenic (1 of 4 stars; one submission).

Conditions:
Primary hyperoxaluria, type II (HP2). Also called: D-GLYCERATE DEHYDROGENASE DEFICIENCY; GLYCERIC ACIDURIA; GLYOXYLATE REDUCTASE/HYDROXYPYRUVATE REDUCTASE DEFICIENCY; OXALOSIS II; Primary hyperoxaluria type 2. Identifiers: Orphanet 416, Orphanet 93599, MedGen C0268165, MONDO:0009824, OMIM 260000. Disease mechanism: loss of function.

Submission:

Myriad Genetics, Inc.
Classification: Pathogenic for Primary hyperoxaluria, type II. Last evaluated: 2023-09-27. Review status: criteria provided, single submitter. Criteria: Myriad Autosomal Dominant, Autosomal Recessive and X-Linked Classification Criteria (2023). Collection method: clinical testing. Allele origin: unknown.
Comment: NM_012203.1(GRHPR):c.65dupC(L23Afs*8) is expected to be pathogenic in the context of primary hyperoxaluria type 2. This variant is predicted to lead to an abnormal or absent protein product due to the creation of a premature termination codon in GRHPR, a gene where loss-of-function variants are known to be pathogenic. Please note: this variant was assessed in the context of healthy population screening.

NM_012203.2(GRHPR):c.65dup (p.Leu23fs)

Gene: GRHPR (glyoxylate and hydroxypyruvate reductase; plus strand). Cytogenetic location: 9p13.2.
Variant type: Duplication.
Coding change: c.65dup on transcript NM_012203.2 (MANE Select); coding-DNA position 65, one base duplicated (C; older notation c.65dupC).
Protein change: p.Leu23fs; shifts the reading frame from leucine 23.
Molecular consequence: frameshift variant.
Genome position (GRCh38, 1-based): chr9:37,422,815, C duplicated. VCF-style (leftmost placement, unchanged base first): chr9-37422814-G-GC. GRCh37 (hg19) VCF-style: chr9-37422811-G-GC.
Other names: short protein forms L23fs.
Identifiers: ClinVar variation 5012157 (VCV005012157.1).